The following is an entry in ClinVar:

ClinVar aggregate classification (germline): Likely pathogenic. Review status: criteria provided, multiple submitters, no conflicts (2 of 4 stars). 2 submissions from 2 submitters: Likely pathogenic (2). Last evaluated 2026-02-19.

Conditions:
Primary ciliary dyskinesia. Also called: Ciliary dyskinesia. Identifiers: Orphanet 244, MedGen C0008780, MONDO:0016575, HP:0012265.
Primary ciliary dyskinesia 3. Identifiers: Orphanet 244, MedGen C1837618, MONDO:0012085, OMIM 608644.

Submissions (2):

Myriad Genetics, Inc.
Classification: Likely pathogenic for Primary ciliary dyskinesia 3. Last evaluated: 2026-02-19. Review status: criteria provided, single submitter. Criteria: Myriad Autosomal Dominant, Autosomal Recessive and X-Linked Classification Criteria (2023). Collection method: clinical testing. Allele origin: unknown.
Comment: NM_001369.2(DNAH5):c.8225-1G>A is a variant in a canonical splice site classified as likely pathogenic in the context of primary ciliary dyskinesia, DNAH5-related. c.8225-1G>A has not been observed in cases with relevant disease. Relevant functional assessments of this variant are not available in the literature. c.8225-1G>A has not been observed in referenced population frequency databases. In summary, NM_001369.2(DNAH5):c.8225-1G>A is a variant in a canonical splice site in a gene where loss of function is a known mechanism of disease and is predicted to disrupt protein function. Please note: this variant was assessed in the context of healthy population screening.

Labcorp Genetics (formerly Invitae), Labcorp
Classification: Likely pathogenic for Primary ciliary dyskinesia. Last evaluated: 2022-06-18. Review status: criteria provided, single submitter. Criteria: Invitae Variant Classification Sherloc (09022015). Collection method: clinical testing. Allele origin: germline.
Comment: This variant has not been reported in the literature in individuals affected with DNAH5-related conditions. Algorithms developed to predict the effect of sequence changes on RNA splicing suggest that this variant may disrupt the consensus splice site. In summary, the currently available evidence indicates that the variant is pathogenic, but additional data are needed to prove that conclusively. Therefore, this variant has been classified as Likely Pathogenic. This variant is not present in population databases (gnomAD no frequency). This sequence change affects an acceptor splice site in intron 49 of the DNAH5 gene. It is expected to disrupt RNA splicing. Variants that disrupt the donor or acceptor splice site typically lead to a loss of protein function (PMID: 16199547), and loss-of-function variants in DNAH5 are known to be pathogenic (PMID: 11788826, 16627867).

Literature cited by the submitters: PubMed 16199547 (cited by Labcorp Genetics (formerly Invitae), Labcorp); PubMed 11788826 (cited by Labcorp Genetics (formerly Invitae), Labcorp); PubMed 16627867 (cited by Labcorp Genetics (formerly Invitae), Labcorp).

NM_001369.3(DNAH5):c.8225-1G>A

Gene: DNAH5 (dynein axonemal heavy chain 5; minus strand). Cytogenetic location: 5p15.2.
Variant type: single nucleotide variant.
Coding change: c.8225-1G>A on transcript NM_001369.3 (MANE Select); the canonical splice acceptor site of the intron before coding-DNA position 8225, G replaced by A.
Molecular consequence: splice acceptor variant.
Genome position (GRCh38, 1-based): chr5:13,792,218, C>T on the plus strand (G>A on the coding strand, the complement: DNAH5 is on the minus strand). VCF-style: chr5-13792218-C-T. GRCh37 (hg19) VCF-style: chr5-13792327-C-T.
Identifiers: ClinVar variation 2097476 (VCV002097476.5), dbSNP rs2546737746, ClinGen allele CA359219884.